The following is an entry in ClinVar:

NM_013382.7(POMT2):c.925G>A (p.Gly309Ser)

Gene: POMT2 (protein O-mannosyltransferase 2; minus strand). Cytogenetic location: 14q24.3.
Variant type: single nucleotide variant.
Coding change: c.925G>A on transcript NM_013382.7 (MANE Select); coding-DNA position 925, G replaced by A.
Protein change: p.Gly309Ser; replaces glycine 309 with serine.
Molecular consequence: missense variant.
Genome position (GRCh38, 1-based): chr14:77,298,770, C>T on the plus strand (G>A on the coding strand, the complement: POMT2 is on the minus strand). VCF-style: chr14-77298770-C-T. GRCh37 (hg19) VCF-style: chr14-77765113-C-T.
Other names: short protein forms G309S.
Identifiers: ClinVar variation 967016 (VCV000967016.4), dbSNP rs376046816, ClinGen allele CA7286038.

ClinVar aggregate classification (germline): Uncertain significance (1 of 4 stars; one submission).

Conditions:
Muscular dystrophy-dystroglycanopathy (congenital with brain and eye anomalies), type A2. Also called: MUSCULAR DYSTROPHY-DYSTROGLYCANOPATHY (CONGENITAL WITH BRAIN AND EYE ANOMALIES), TYPE A, 2; WALKER-WARBURG SYNDROME OR MUSCLE-EYE-BRAIN DISEASE, POMT2-RELATED. Identifiers: Orphanet 588, Orphanet 899, MedGen C3150411, MONDO:0013154, OMIM 613150.
Muscular dystrophy-dystroglycanopathy (congenital with impaired intellectual development), type B, 2. Also called: Muscular dystrophy-dystroglycanopathy (congenital with intellectual disability), type B2; MUSCULAR DYSTROPHY, CONGENITAL, POMT2-RELATED. Identifiers: MedGen C3150416, MONDO:0013160, OMIM 613156.
Autosomal recessive limb-girdle muscular dystrophy type 2N. Also called: Muscular dystrophy-dystroglycanopathy (limb-girdle), type C, 2; MUSCULAR DYSTROPHY-DYSTROGLYCANOPATHY, LIMB-GIRDLE, POMT2-RELATED. Identifiers: Orphanet 206559, MedGen C3150418, MONDO:0013162, OMIM 613158.

Allele frequency attached by ClinVar (database versions not stated): gnomAD exomes 0.00003 and 0.00002; ESP Exome Variant Server 0.00008; gnomAD 0.00003; TOPMed 0.00003; ExAC 0.00003.
gnomAD v4.1: 43 of 1,612,110 alleles (0.0027%); highest among the groups gnomAD compares: Non-Finnish European, 0.0036%; no homozygotes.

Submission:

Labcorp Genetics (formerly Invitae), Labcorp
Classification: Uncertain significance for Muscular dystrophy-dystroglycanopathy (congenital with impaired intellectual development), type B, 2; Muscular dystrophy-dystroglycanopathy (congenital with brain and eye anomalies), type A2; Autosomal recessive limb-girdle muscular dystrophy type 2N. Last evaluated: 2022-10-31. Review status: criteria provided, single submitter. Criteria: Invitae Variant Classification Sherloc (09022015). Collection method: clinical testing. Allele origin: germline.
Comment: This sequence change replaces glycine, which is neutral and non-polar, with serine, which is neutral and polar, at codon 309 of the POMT2 protein (p.Gly309Ser). This variant is present in population databases (rs376046816, gnomAD 0.005%). This variant has not been reported in the literature in individuals affected with POMT2-related conditions. ClinVar contains an entry for this variant (Variation ID: 967016). Algorithms developed to predict the effect of missense changes on protein structure and function (SIFT, PolyPhen-2, Align-GVGD) all suggest that this variant is likely to be disruptive. Algorithms developed to predict the effect of sequence changes on RNA splicing suggest that this variant may create or strengthen a splice site. In summary, the available evidence is currently insufficient to determine the role of this variant in disease. Therefore, it has been classified as a Variant of Uncertain Significance.